The following is an entry in ClinVar:

NM_004370.6(COL12A1):c.428T>C (p.Phe143Ser)

Gene: COL12A1 (collagen type XII alpha 1 chain; minus strand). Cytogenetic location: 6q13.
Variant type: single nucleotide variant.
Coding change: c.428T>C on transcript NM_004370.6 (MANE Select); coding-DNA position 428, T replaced by C.
Protein change: p.Phe143Ser; replaces phenylalanine 143 with serine.
Molecular consequence: missense variant. On other transcripts: intron variant (2).
Genome position (GRCh38, 1-based): chr6:75,189,782, A>G on the plus strand (T>C on the coding strand, the complement: COL12A1 is on the minus strand). VCF-style: chr6-75189782-A-G. GRCh37 (hg19) VCF-style: chr6-75899498-A-G.
Other names: c.428T>C, p.Phe143Ser (NM_001424113.1, NM_001424114.1, NM_001424115.1); c.73+12938T>C (NM_001424116.1, NM_080645.3); short protein forms F143S.
Identifiers: ClinVar variation 4688156 (VCV004688156.1).

ClinVar aggregate classification (germline): Uncertain significance (1 of 4 stars; one submission).

Conditions:
Bethlem myopathy 2 (BTHLM2). Identifiers: Orphanet 536516, Orphanet 610, MedGen C4225313, MONDO:0034022, OMIM 616471.

gnomAD v4.1: 1 of 1,613,184 alleles (0.000062%); highest among the groups gnomAD compares: Non-Finnish European, 0.000085%; no homozygotes.

Submission:

MVZ Medizinische Genetik Mainz
Classification: Uncertain significance for Bethlem myopathy 2. Last evaluated: 2026-01-14. Review status: criteria provided, single submitter. Criteria: UK Practice Guidelines For Variant Classification V4 01 2020. Collection method: clinical testing. Allele origin: germline. Inheritance: Autosomal dominant inheritance. Affected: yes. Observed: 1 variant allele.
Comment: ACMG Criteria: PP3_MOD,PM2_SUP